The following is an entry in ClinVar:

ClinVar aggregate classification (germline): Uncertain significance. Review status: criteria provided, multiple submitters, no conflicts (2 of 4 stars). 4 submissions from 4 submitters: Uncertain significance (3). 1 of the submissions does not count toward it. Last evaluated 2024-11-07.

Conditions:
Retinal dystrophy. Also called: Inherited retinal dystrophy. Identifiers: Orphanet 71862, MedGen C0854723, MeSH D058499, MONDO:0019118, HP:0000556.
Inborn genetic diseases. Identifiers: MedGen C0950123, MeSH D030342.

Allele frequency attached by ClinVar (database versions not stated): ExAC 0.00002; gnomAD exomes 0.00004 and 0.00007; TOPMed 0.00005; gnomAD 0.00007 and 0.00008; ESP Exome Variant Server 0.00031.
gnomAD v4.1: 74 of 1,613,744 alleles (0.0046%); highest among the groups gnomAD compares: Non-Finnish European, 0.0057%; no homozygotes.

Submissions (4):

Blueprint Genetics
Classification: Uncertain significance. Last evaluated: 2024-11-07. Review status: criteria provided, single submitter. Criteria: ACMG Guidelines, 2015. Collection method: clinical testing. Allele origin: germline.

Labcorp Genetics (formerly Invitae), Labcorp
Classification: Uncertain significance. Last evaluated: 2023-08-10. Review status: criteria provided, single submitter. Criteria: Invitae Variant Classification Sherloc (09022015). Collection method: clinical testing. Allele origin: germline.
Comment: In summary, the available evidence is currently insufficient to determine the role of this variant in disease. Therefore, it has been classified as a Variant of Uncertain Significance. Advanced modeling of protein sequence and biophysical properties (such as structural, functional, and spatial information, amino acid conservation, physicochemical variation, residue mobility, and thermodynamic stability) performed at Invitae indicates that this missense variant is not expected to disrupt TTLL5 protein function. ClinVar contains an entry for this variant (Variation ID: 957456). This variant has not been reported in the literature in individuals affected with TTLL5-related conditions. This variant is present in population databases (rs146224123, gnomAD 0.01%). This sequence change replaces proline, which is neutral and non-polar, with serine, which is neutral and polar, at codon 176 of the TTLL5 protein (p.Pro176Ser).

Ambry Genetics
Classification: Uncertain significance for Inborn genetic diseases. Last evaluated: 2022-06-03. Review status: criteria provided, single submitter. Criteria: Ambry Variant Classification Scheme 2023. Collection method: clinical testing. Allele origin: germline.

Institute of Human Genetics, Univ. Regensburg, Univ. Regensburg
Classification: Uncertain significance for Retinal dystrophy. Last evaluated: 2020-01-01. Review status: no assertion criteria provided. Criteria: ACMG Guidelines, 2015. Collection method: clinical testing. Allele origin: germline. Affected: yes. Not counted in ClinVar's aggregate classification.

NM_015072.5(TTLL5):c.526C>T (p.Pro176Ser)

Gene: TTLL5 (tubulin tyrosine ligase like 5; plus strand). Cytogenetic location: 14q24.3.
Variant type: single nucleotide variant.
Coding change: c.526C>T on transcript NM_015072.5 (MANE Select); coding-DNA position 526, C replaced by T.
Protein change: p.Pro176Ser; replaces proline 176 with serine.
Molecular consequence: missense variant.
Genome position (GRCh38, 1-based): chr14:75,699,211, C>T. VCF-style: chr14-75699211-C-T. GRCh37 (hg19) VCF-style: chr14-76165554-C-T.
Other names: short protein forms P176S.
Identifiers: ClinVar variation 957456 (VCV000957456.12), dbSNP rs146224123, ClinGen allele CA7278968.